The following is an entry in ClinVar:

NM_152594.3(SPRED1):c.1006G>A (p.Val336Ile)

Gene: SPRED1 (sprouty related EVH1 domain containing 1; plus strand). Cytogenetic location: 15q14.
Variant type: single nucleotide variant.
Coding change: c.1006G>A on transcript NM_152594.3 (MANE Select); coding-DNA position 1006, G replaced by A.
Protein change: p.Val336Ile; replaces valine 336 with isoleucine.
Molecular consequence: missense variant.
Genome position (GRCh38, 1-based): chr15:38,351,335, G>A. VCF-style: chr15-38351335-G-A. GRCh37 (hg19) VCF-style: chr15-38643536-G-A.
Other names: short protein forms V336I.
Identifiers: ClinVar variation 429870 (VCV000429870.13), dbSNP rs373477920, ClinGen allele CA7470219.

ClinVar aggregate classification (germline): Conflicting classifications of pathogenicity. Review status: criteria provided, conflicting classifications (1 of 4 stars). 5 submissions from 5 submitters: Uncertain significance (2); Benign (1); Likely benign (2). Last evaluated 2025-12-12.

Conditions:
Cardiovascular phenotype. Identifiers: MedGen CN230736.
SPRED1-related disorder. Also called: SPRED1-related condition.
Legius syndrome. Identifiers: Orphanet 137605, MedGen C1969623, MONDO:0012669, OMIM 611431. Disease mechanism: loss of function.

Allele frequency attached by ClinVar (database versions not stated): ExAC 0.00002; gnomAD exomes 0.00002 and 0.00003; TOPMed 0.00002; gnomAD 0.00005; ESP Exome Variant Server 0.00008.
gnomAD v4.1: 40 of 1,614,002 alleles (0.0025%); highest among the groups gnomAD compares: Admixed American, 0.0033%; no homozygotes.

Submissions (5):

Labcorp Genetics (formerly Invitae), Labcorp
Classification: Benign for Legius syndrome. Last evaluated: 2025-12-12. Review status: criteria provided, single submitter. Criteria: Invitae Variant Classification Sherloc (09022015). Collection method: clinical testing. Allele origin: germline.

PreventionGenetics, part of Exact Sciences
Classification: Likely benign for SPRED1-related condition. Last evaluated: 2025-10-23. Review status: criteria provided, single submitter. Criteria: ACMG Guidelines, 2015. Collection method: clinical testing. Allele origin: germline.
Comment: This variant is classified as likely benign based on ACMG/AMP sequence variant interpretation guidelines (Richards et al. 2015 PMID: 25741868, with internal and published modifications).

Blueprint Genetics
Classification: Likely benign. Last evaluated: 2024-10-23. Review status: criteria provided, single submitter. Criteria: ACMG Guidelines, 2015. Collection method: clinical testing. Allele origin: germline.

Ambry Genetics
Classification: Uncertain significance for Cardiovascular phenotype. Last evaluated: 2021-10-29. Review status: criteria provided, single submitter. Criteria: Ambry Variant Classification Scheme 2023. Collection method: clinical testing. Allele origin: germline.
Comment: The p.V336I variant (also known as c.1006G>A), located in coding exon 7 of the SPRED1 gene, results from a G to A substitution at nucleotide position 1006. The valine at codon 336 is replaced by isoleucine, an amino acid with highly similar properties. This amino acid position is conserved. In addition, this alteration is predicted to be tolerated by in silico analysis. Since supporting evidence is limited at this time, the clinical significance of this alteration remains unclear.

GeneDx
Classification: Uncertain significance. Last evaluated: 2017-05-15. Review status: criteria provided, single submitter. Criteria: GeneDx Variant Classification (06012015). Collection method: clinical testing. Allele origin: germline. Affected: yes.
Comment: The V336I variant is not observed at a significant frequency in large population cohorts (Lek et al., 2016; 1000 Genomes Consortium et al., 2015; Exome Variant Server). The V336I variant is a conservative amino acid substitution, which is not likely to impact secondary protein structure as these residues share similar properties. This substitution occurs at a position where amino acids with similar properties to Valine are tolerated across species and Isoleucine is present many species. In silico analysis is inconsistent in its predictions as to whether or not the variant is damaging to the protein structure/function. In summary, based on the currently available information, it is unclear whether this variant is a pathogenic variant or a rare benign variant.